The following is an entry in ClinVar:

NM_001110556.2(FLNA):c.2220_2223dup (p.Lys742fs)

Gene: FLNA (filamin A; minus strand). Cytogenetic location: Xq28.
Variant type: Duplication.
Coding change: c.2220_2223dup on transcript NM_001110556.2 (MANE Select); coding-DNA positions 2220 to 2223, 4 bases duplicated (GGTG; older notation c.2220_2223dupGGTG).
Protein change: p.Lys742fs; shifts the reading frame from lysine 742.
Molecular consequence: frameshift variant.
Genome position (GRCh38, 1-based): chrX:154,364,079-154,364,082, CACC duplicated on the plus strand (GGTG on the coding strand, the reverse complement: FLNA is on the minus strand). VCF-style (leftmost placement, unchanged base first): chrX-154364078-T-TCACC. GRCh37 (hg19) VCF-style: chrX-153592446-T-TCACC.
Other names: c.2220_2223dup, p.Lys742fs (NM_001456.4); short protein forms K742fs.
Identifiers: ClinVar variation 2661795 (VCV002661795.24), dbSNP rs2522752902, ClinGen allele CA2695197201.
Genomic context (GRCh38, chrX:154,364,078, plus strand): 5'-TCACCCTGAAGGGGCTGTTGGGGATGCTGACGCCTCCCCAGGACACCATGGCTGTGTGCT[T>TCACC]CACCGGCTTCCTGGGCACGTAGGAGCAGCTGTAAGTGCCATTGCCGTTGTCCTTGACCAA-3'

ClinVar aggregate classification (germline): Pathogenic (1 of 4 stars; one submission).

Submission:

CeGaT Center for Human Genetics Tuebingen
Classification: Pathogenic. Last evaluated: 2023-10-01. Review status: criteria provided, single submitter. Criteria: CeGaT Center For Human Genetics Tuebingen Variant Classification Criteria Version 2. Collection method: clinical testing. Allele origin: germline. Affected: yes. Observed: 1 variant allele.
Comment: FLNA: PVS1, PM2, PP4